The following is an entry in ClinVar:

ClinVar aggregate classification (germline): Uncertain significance. Review status: criteria provided, multiple submitters, no conflicts (2 of 4 stars). 2 submissions from 2 submitters: Uncertain significance (2). Last evaluated 2026-08-31.

Conditions:
USH2A-related disorder. Also called: USH2A-related disorders; USH2A-related condition. Identifiers: MedGen CN239332.

Allele frequency attached by ClinVar (database versions not stated): ExAC 0.00001; TOPMed 0.00002; gnomAD 0.00003.
gnomAD v4.1: 12 of 1,613,918 alleles (0.00074%); highest among the groups gnomAD compares: Non-Finnish European, 0.00093%; no homozygotes.

Submissions (2):

PreventionGenetics, part of Exact Sciences
Classification: Uncertain significance for USH2A-related condition. Last evaluated: 2026-08-31. Review status: criteria provided, single submitter. Criteria: ACMG Guidelines, 2015. Collection method: clinical testing. Allele origin: germline.
Comment: The USH2A c.13711G>A variant is predicted to result in the amino acid substitution p.Glu4571Lys. To our knowledge, this variant has not been reported in the literature. This variant is reported in 0.0026% of alleles in individuals of European (Non-Finnish) descent in gnomAD. At this time, the clinical significance of this variant is uncertain due to the absence of conclusive functional and genetic evidence.

Labcorp Genetics (formerly Invitae), Labcorp
Classification: Uncertain significance. Last evaluated: 2025-12-23. Review status: criteria provided, single submitter. Criteria: Invitae Variant Classification Sherloc (09022015). Collection method: clinical testing. Allele origin: germline.
Comment: This sequence change replaces glutamic acid, which is acidic and polar, with lysine, which is basic and polar, at codon 4571 of the USH2A protein (p.Glu4571Lys). This variant is present in population databases (rs751411512, gnomAD 0.003%). This variant has not been reported in the literature in individuals affected with USH2A-related conditions. ClinVar contains an entry for this variant (Variation ID: 2169664). Invitae Evidence Modeling of protein sequence and biophysical properties (such as structural, functional, and spatial information, amino acid conservation, physicochemical variation, residue mobility, and thermodynamic stability) indicates that this missense variant is not expected to disrupt USH2A protein function with a negative predictive value of 95%. In summary, the available evidence is currently insufficient to determine the role of this variant in disease. Therefore, it has been classified as a Variant of Uncertain Significance.

NM_206933.4(USH2A):c.13711G>A (p.Glu4571Lys)

Gene: USH2A (usherin; minus strand). Cytogenetic location: 1q41.
Variant type: single nucleotide variant.
Coding change: c.13711G>A on transcript NM_206933.4 (MANE Select); coding-DNA position 13711, G replaced by A.
Protein change: p.Glu4571Lys; replaces glutamic acid 4571 with lysine.
Molecular consequence: missense variant.
Genome position (GRCh38, 1-based): chr1:215,674,200, C>T on the plus strand (G>A on the coding strand, the complement: USH2A is on the minus strand). VCF-style: chr1-215674200-C-T. GRCh37 (hg19) VCF-style: chr1-215847542-C-T.
Other names: c.13711G>A (NM_206933.2); short protein forms E4571K.
Identifiers: ClinVar variation 2169664 (VCV002169664.3), dbSNP rs751411512, ClinGen allele CA1393239.